The following is an entry in ClinVar:

ClinVar aggregate classification (germline): Pathogenic (1 of 4 stars; one submission).

Conditions:
RPE65-related recessive retinopathy. Also called: Recessive RPE65 retinopathy. Identifiers: MedGen CN305526, MONDO:0100368.

Submission:

Myriad Genetics, Inc.
Classification: Pathogenic for RPE65-related recessive retinopathy. Last evaluated: 2025-05-27. Review status: criteria provided, single submitter. Criteria: Myriad Autosomal Dominant, Autosomal Recessive and X-Linked Classification Criteria (2023). Collection method: clinical testing. Allele origin: unknown.
Comment: NM_000329.2(RPE65):c.741delC(N248Tfs*77) is expected to be pathogenic in the context of inherited retinal dystrophy, RPE65-related. This variant is predicted to lead to an abnormal or absent protein product due to the creation of a premature termination codon in RPE65, a gene where loss-of-function variants are known to be pathogenic. Please note: this variant was assessed in the context of healthy population screening.

NM_000329.3(RPE65):c.741del (p.Asn248fs)

Gene: RPE65 (retinoid isomerohydrolase RPE65; minus strand). Cytogenetic location: 1p31.3.
Variant type: Deletion.
Coding change: c.741del on transcript NM_000329.3 (MANE Select); coding-DNA position 741, one base deleted (C; older notation c.741delC).
Protein change: p.Asn248fs; shifts the reading frame from asparagine 248.
Molecular consequence: frameshift variant.
Genome position (GRCh38, 1-based): chr1:68,439,308, G deleted on the plus strand (C on the coding strand, the reverse complement: RPE65 is on the minus strand); the first of 3 consecutive G bases (chr1:68,439,308-68,439,310); deleting any one gives the same sequence. VCF-style (leftmost placement, unchanged base first): chr1-68439307-TG-T. GRCh37 (hg19) VCF-style: chr1-68904990-TG-T.
Other names: c.633del, p.Asn212fs (NM_001406853.1); c.465del, p.Asn156fs (NM_001406856.1, NM_001406857.1); c.741del, p.Asn248fs (NM_001406859.1); short protein forms N156fs, N212fs, N248fs.
Identifiers: ClinVar variation 5014525 (VCV005014525.1).